The following is an entry in ClinVar:

ClinVar aggregate classification (germline): Pathogenic/Likely pathogenic. Review status: criteria provided, multiple submitters, no conflicts (2 of 4 stars). 5 submissions from 5 submitters: Pathogenic (4); Likely pathogenic (1). Last evaluated 2025-09-19.

Conditions:
PIK3CA related overgrowth syndrome. Also called: PIK3CA related overgrowth spectrum; PIK3CA-Related Segmental Overgrowth. Identifiers: Orphanet 530313, MedGen C4728213, MONDO:1040002.
Cowden syndrome (CS). Also called: Cowden's disease; Cowden's syndrome; Cowden disease. Identifiers: Orphanet 201, MedGen C0018553, MONDO:0016063. Disease mechanism: gain of function.

Submissions (5):

Department of Clinical Genetics, Copenhagen University Hospital, Rigshospitalet
Classification: Pathogenic for PIK3CA related overgrowth syndrome. Last evaluated: 2025-09-19. Review status: criteria provided, single submitter. Criteria: ACMG Guidelines, 2015. Collection method: clinical testing. Allele origin: germline.
Comment: The following ACMG criteria has been used: PS2_M (mosaic variant, 2.9%VAF), PS4, PM2_SUP, PM5, PP3_SUP, PP4_M

Labcorp Genetics (formerly Invitae), Labcorp
Classification: Pathogenic for Cowden syndrome. Last evaluated: 2024-09-25. Review status: criteria provided, single submitter. Criteria: Invitae Variant Classification Sherloc (09022015). Collection method: clinical testing. Allele origin: germline.
Comment: This sequence change replaces tyrosine, which is neutral and polar, with histidine, which is basic and polar, at codon 1021 of the PIK3CA protein (p.Tyr1021His). This variant is not present in population databases (gnomAD no frequency). This missense change has been observed in individual(s) with PIK3CA-Related Overgrowth Spectrum (PROS) (PMID: 27631024, 28151489; internal data). In at least one individual the variant was observed to be de novo. ClinVar contains an entry for this variant (Variation ID: 1691391). Invitae Evidence Modeling of protein sequence and biophysical properties (such as structural, functional, and spatial information, amino acid conservation, physicochemical variation, residue mobility, and thermodynamic stability) has been performed for this missense variant. However, the output from this modeling did not meet the statistical confidence thresholds required to predict the impact of this variant on PIK3CA protein function. This variant disrupts the p.Tyr1021 amino acid residue in PIK3CA. Other variant(s) that disrupt this residue have been determined to be pathogenic (PMID: 22729224, 28151489; internal data). This suggests that this residue is clinically significant, and that variants that disrupt this residue are likely to be disease-causing. For these reasons, this variant has been classified as Pathogenic.

Clinical Genomics Laboratory, Washington University in St. Louis
Classification: Pathogenic for PIK3CA-related overgrowth syndrome. Last evaluated: 2024-06-17. Review status: criteria provided, single submitter. Criteria: Leon-Quintero et al. (Clin Genet. 2025). Collection method: clinical testing. Allele origin: somatic. Affected: yes.
Comment: A PIK3CA c.3061T>C (p.Tyr1021His) variant was identified at an allelic fraction consistent with somatic origin. This variant has been reported in multiple individuals affected with PROS disorders (Mirzaa G et al., PMID: 27631024; Gripp KW et al., PMID: 27191687; Kuentz P et al., PMID: 28151489; Mojarad B et al., Genetics in Medicine Open. 2023; 1(1)). This variant has been reported in the ClinVar database as a pathogenic/likely pathogenic variant by two submitters (ClinVar ID:1691391) and in multiple cancer cases in the cancer database COSMIC (Genomic Mutation ID: COSV55901519). This variant is absent from the general population (gnomAD v.4.1.0), indicating it is not a common variant. This variant resides within the kinase domain of PIK3CA, which is defined as a critical functional domain (Zhao L et al., PMID: 18268322). Another variant in the same codon, c.3062A>G (p.Tyr1021Cys), has been reported in individuals with PROS disorders and is considered pathogenic (Gripp KW et al., PMID: 27191687; McNulty SN et al., PMID: 31585106; Rivière JB et al., PMID: 22729224; Kuentz P et al., PMID: 28151489; Mojarad B et al., Genetics in Medicine Open. 2023; 1(1); ClinVar Variation ID: 376246). Computational predictors indicate that the variant is damaging, evidence that may correlate with impact to PIK3CA function. The PIK3CA gene is defined by ClinGen's Brain Malformation expert panel as a gene with a low rate of benign missense variation and where pathogenic missense variants are a common disease mechanism (Lai et al., PMID: 35997716). Based on available information and an internally developed protocol informed by the ACMG/AMP guidelines for variant interpretation and gene-specific practices from the ClinGen Criteria Specification Registry (Leon-Quintero FZ et al., PMID: 39434542), the PIK3CA c.3061T>C (p.Tyr1021His) variant is classified as pathogenic.

Seattle Children's Hospital Molecular Genetics Laboratory, Seattle Children's Hospital
Classification: Pathogenic for PIK3CA related overgrowth syndrome. Last evaluated: 2020-09-22. Review status: criteria provided, single submitter. Criteria: ACMG Guidelines, 2015. Collection method: clinical testing. Allele origin: somatic. Affected: yes.
Comment: This variant has previously been reported as a somatic change in an individual with megalencephaly-capillary malformation (MCAP) syndrome (PMID: 27631024). The Tyr1021His variant substitutes the tyrosine with histidine at position 1021. This is an evolutionary conserved amino acid within the protein's kinase domain (UniProt P42336). In silico tools predict this substitution is damaging to protein function. Further supporting pathogenicity, a different missense change at the same residue (p.Tyr1021Cys) has been associated with PIK3CA-related overgrowth spectrum (PMID: 22729224). Alterations of this residue have not been observed in the Genome Aggregation Database (v2.1.1).

Care4Rare-SOLVE, CHEO
Classification: Likely pathogenic for PIK3CA related overgrowth syndrome. Review status: criteria provided, single submitter. Criteria: ACMG Guidelines, 2015. Collection method: research. Allele origin: de novo. Affected: yes. Observed: 1 variant allele.

Literature cited by the submitters: PubMed 27631024 (cited by Labcorp Genetics (formerly Invitae), Labcorp); PubMed 28151489 (cited by Labcorp Genetics (formerly Invitae), Labcorp); PubMed 22729224 (cited by Labcorp Genetics (formerly Invitae), Labcorp).

NM_006218.4(PIK3CA):c.3061T>C (p.Tyr1021His)

Gene: PIK3CA (phosphatidylinositol-4,5-bisphosphate 3-kinase catalytic subunit alpha; plus strand). Cytogenetic location: 3q26.32.
Variant type: single nucleotide variant.
Coding change: c.3061T>C on transcript NM_006218.4 (MANE Select); coding-DNA position 3061, T replaced by C.
Protein change: p.Tyr1021His; replaces tyrosine 1021 with histidine.
Molecular consequence: missense variant.
Genome position (GRCh38, 1-based): chr3:179,234,218, T>C. VCF-style: chr3-179234218-T-C. GRCh37 (hg19) VCF-style: chr3-178952006-T-C.
Other names: short protein forms Y1021H.
Identifiers: ClinVar variation 1691391 (VCV001691391.8), dbSNP rs2108429509, ClinGen allele CA355285420.